The following is an entry in ClinVar:

ClinVar aggregate classification (germline): Pathogenic. Review status: criteria provided, multiple submitters, no conflicts (2 of 4 stars). 7 submissions from 6 submitters: Pathogenic (5). 2 of the submissions do not count toward it. Last evaluated 2026-08-28.

Conditions:
Hypokalemic periodic paralysis (HOKPP). Identifiers: Orphanet 681, MedGen C0238358, MONDO:0008223.
Hyperkalemic periodic paralysis. Also called: Gamstorp disease; Familial hyperkalemic periodic paralysis. Identifiers: Orphanet 682, MedGen C0238357, MONDO:0008224, OMIM 170500, HP:0007215.
Hypokalemic periodic paralysis, type 2 (HOKPP2). Identifiers: Orphanet 681, MedGen C2750061, MONDO:0013234, OMIM 613345.

Submissions (7):

Clinical Genetics Laboratory, Skane University Hospital Lund
Classification: Pathogenic for Hypokalemic periodic paralysis. Last evaluated: 2026-08-28. Review status: criteria provided, single submitter. Criteria: ACMG Guidelines, 2015. Collection method: clinical testing. Allele origin: germline. Affected: yes.
Comment: SCN4A (NM_000334.4) c.2014C>T, p.(Arg672Cys) is a nucleotide substitution in exon 12 of 24, resulting in the amino acid substitution described above, which is predicted to be deleterious. Functional studies of this variant have demonstrated a deleterious effect on protein function (PMID: 18824591). The c.2014C>T variant has not been observed in the general population and has previously been described in the literature (see ClinVar for references). The variant is also reported as pathogenic in ClinVar (Accession: VCV000021151.15); see also GeneReviews. Other amino acid substitutions at the same codon have previously been reported as pathogenic in ClinVar (p.Arg672Ser, Accession: VCV000005916.18; p.Arg672His, Accession: VCV000005912.60; among others). The variant has been classified as pathogenic according to the following ACMG criteria: PS3_Supporting, PS4, PM2, PM5, and PP3.

3billion
Classification: Pathogenic for Hypokalemic periodic paralysis, type 2. Last evaluated: 2024-06-17. Review status: criteria provided, single submitter. Criteria: ACMG Guidelines, 2015. Collection method: clinical testing. Allele origin: germline. Affected: yes.
Comment: The variant is not observed in the gnomAD v4.0.0 dataset. Predicted Consequence/Location: Missense variant Functional studies provide strong evidence of the variant having a damaging effect on the gene or gene product (PMID: 18824591). In silico tool predictions suggest damaging effect of the variant on gene or gene product [REVEL: 0.96 (>=0.6, sensitivity 0.68 and specificity 0.92); 3Cnet: 1.00 (>=0.6, sensitivity 0.72 and precision 0.9)]. The same nucleotide change resulting in the same amino acid change has been previously reported as pathogenic/likely pathogenic with strong evidence (ClinVar ID: VCV000021151 /PMID: 15482957).Different missense changes at the same codon (p.Arg672Gly, p.Arg672His, p.Arg672Ser) have been reported as pathogenic/likely pathogenic with strong evidence (ClinVar ID: VCV000005912, VCV000005913, VCV000005916 /PMID: 10944223, 11558801 /3billion dataset). Therefore, this variant is classified as Pathogenic according to the recommendation of ACMG/AMP guideline.

Labcorp Genetics (formerly Invitae), Labcorp
Classification: Pathogenic for Hyperkalemic periodic paralysis. Last evaluated: 2023-03-27. Review status: criteria provided, single submitter. Criteria: Invitae Variant Classification Sherloc (09022015). Collection method: clinical testing. Allele origin: germline.
Comment: For these reasons, this variant has been classified as Pathogenic. This variant disrupts the p.Arg672 amino acid residue in SCN4A. Other variant(s) that disrupt this residue have been determined to be pathogenic (PMID: 10944223, 11558801, 11912116, 15557532, 18824591, 23019082, 26252573). This suggests that this residue is clinically significant, and that variants that disrupt this residue are likely to be disease-causing. Experimental studies have shown that this missense change affects SCN4A function (PMID: 18824591). Advanced modeling of protein sequence and biophysical properties (such as structural, functional, and spatial information, amino acid conservation, physicochemical variation, residue mobility, and thermodynamic stability) performed at Invitae indicates that this missense variant is expected to disrupt SCN4A protein function. ClinVar contains an entry for this variant (Variation ID: 21151). This missense change has been observed in individuals with hypokalemic periodic paralysis (PMID: 15482957, 18162704, 19118277, 27199537). This variant is not present in population databases (gnomAD no frequency). This sequence change replaces arginine, which is basic and polar, with cysteine, which is neutral and slightly polar, at codon 672 of the SCN4A protein (p.Arg672Cys).

Athena Diagnostics
Classification: Pathogenic. Last evaluated: 2022-12-21. Review status: criteria provided, single submitter. Criteria: Athena Diagnostics Criteria. Collection method: clinical testing. Allele origin: unknown.
Comment: This variant has been identified in multiple unrelated individuals with periodic paralysis and appears to be associated with disease in at least one family. This variant has not been reported in large, multi-ethnic general populations. Assessment of experimental evidence suggests this variant results in abnormal protein function. (PMID: 18824591) The variant is located in a region that is considered important for protein function and/or structure.

Neuberg Centre For Genomic Medicine, NCGM
Classification: Pathogenic for Hypokalemic periodic paralysis, type 2. Review status: criteria provided, single submitter. Criteria: ACMG Guidelines, 2015. Collection method: clinical testing. Allele origin: germline. Inheritance: Autosomal dominant inheritance. Affected: yes.
Comment: The missense c.2014C>T p.Arg672Cys variant in SCN4A gene has been reported in heterozygous state in multiple individuals affected with Hypokalemic periodic paralysis Weber F et al. 2018; Wang XY et al. 2015; Kim JB et al. 2007. Experimental studies have shown that this missense change affects SCN4A function Struyk AF et al. 2008. The p.Arg672Cys variant is novel not in any individuals in gnomAD Exomes and 1000 Genomes. This variant has been reported to the ClinVar database as Pathogenic. The amino acid change p.Arg672Cys in SCN4A is predicted as conserved by GERP++ and PhyloP across 100 vertebrates. The amino acid Arg at position 672 is changed to a Cys changing protein sequence and it might alter its composition and physico-chemical properties. For these reasons, this variant has been classified as Pathogenic.

GeneReviews
No classification provided. Condition: Hypokalemic periodic paralysis, type 2. Review status: no classification provided. Collection method: literature only. Allele origin: germline. Not counted in ClinVar's aggregate classification.

GeneReviews
No classification provided. Condition: Hyperkalemic periodic paralysis. Review status: no classification provided. Collection method: literature only. Allele origin: germline. Affected: yes. Not counted in ClinVar's aggregate classification.

Literature cited by the submitters: PubMed 18824591 (cited by 3 submitters); PubMed 15482957 (cited by 3 submitters); PubMed 10944223 (cited by 3billion and Labcorp Genetics (formerly Invitae), Labcorp); PubMed 11558801 (cited by Labcorp Genetics (formerly Invitae), Labcorp); PubMed 11912116 (cited by Labcorp Genetics (formerly Invitae), Labcorp); PubMed 15557532 (cited by Labcorp Genetics (formerly Invitae), Labcorp); PubMed 23019082 (cited by Labcorp Genetics (formerly Invitae), Labcorp); PubMed 26252573 (cited by Labcorp Genetics (formerly Invitae), Labcorp); PubMed 18162704 (cited by 3 submitters); PubMed 19118277 (cited by Labcorp Genetics (formerly Invitae), Labcorp and Athena Diagnostics); PubMed 27199537 (cited by Labcorp Genetics (formerly Invitae), Labcorp and Athena Diagnostics); PubMed 31068157 (cited by Athena Diagnostics); PubMed 31567646 (cited by Athena Diagnostics); PubMed 16386935 (cited by Athena Diagnostics); PubMed 22094484 (cited by Athena Diagnostics); PubMed 28150151 (cited by Athena Diagnostics); PubMed 34608571 (cited by Athena Diagnostics); PubMed 15534250 (cited by Athena Diagnostics); NCBI Bookshelf NBK1496 (cited by GeneReviews).

NM_000334.4(SCN4A):c.2014C>T (p.Arg672Cys)

Gene: SCN4A (sodium voltage-gated channel alpha subunit 4; minus strand). Cytogenetic location: 17q23.3.
Variant type: single nucleotide variant.
Coding change: c.2014C>T on transcript NM_000334.4 (MANE Select); coding-DNA position 2014, C replaced by T.
Protein change: p.Arg672Cys; replaces arginine 672 with cysteine.
Molecular consequence: missense variant.
Genome position (GRCh38, 1-based): chr17:63,959,270, G>A on the plus strand (C>T on the coding strand, the complement: SCN4A is on the minus strand). VCF-style: chr17-63959270-G-A. GRCh37 (hg19) VCF-style: chr17-62036630-G-A.
Other names: short protein forms R672C.
Identifiers: ClinVar variation 21151 (VCV000021151.16), dbSNP rs80338785, ClinGen allele CA341668.
Genomic context (GRCh38, chr17:63,959,270, plus strand): 5'-TTAGTCTCCTCACCCCACCCCCATCCCAGCCCCTGGCCCTGGGGCTTTTGTGTACCAGAC[G>A]GAAGGAGCGTAGCACAGACAGTCCCTGTACGTTGGCCAGGCCTAGCTCTACCAGGCTGAG-3'
Protein context (NP_000325.4, residues 662-682): VQGLSVLRSF[Arg672Cys]LLRVFKLAKS